The following is an entry in ClinVar:

NM_019032.6(ADAMTSL4):c.2009G>A (p.Arg670Gln)

Genes: ADAMTSL4 (ADAMTS like 4; plus strand), ADAMTSL4-AS2 (ADAMTSL4 antisense RNA 2; minus strand). Cytogenetic location: 1q21.2.
Variant type: single nucleotide variant.
Coding change: c.2009G>A on transcript NM_019032.6 (MANE Select); coding-DNA position 2009, G replaced by A.
Protein change: p.Arg670Gln; replaces arginine 670 with glutamine.
Molecular consequence: missense variant.
Genome position (GRCh38, 1-based): chr1:150,557,297, G>A. VCF-style: chr1-150557297-G-A. GRCh37 (hg19) VCF-style: chr1-150529773-G-A.
Other names: c.1892G>A, p.Arg631Gln (NM_001288607.2); c.2078G>A, p.Arg693Gln (NM_001288608.2); c.2009G>A, p.Arg670Gln (NM_001378596.1, NM_025008.5); c.2009G>A (NM_019032.4); short protein forms R670Q, R631Q, R693Q.
Identifiers: ClinVar variation 2137932 (VCV002137932.4), dbSNP rs763764814, ClinGen allele CA1078484.

ClinVar aggregate classification (germline): Uncertain significance. Review status: criteria provided, multiple submitters, no conflicts (2 of 4 stars). 2 submissions from 2 submitters: Uncertain significance (2). Last evaluated 2025-12-03.

Conditions:
Inborn genetic diseases. Identifiers: MedGen C0950123, MeSH D030342.

Allele frequency attached by ClinVar (database versions not stated): gnomAD exomes 0.00002; gnomAD 0.00005; ExAC 0.00002.

Submissions (3):

Ambry Genetics
Classification: Uncertain significance for Inborn genetic diseases. Last evaluated: 2025-12-03. Review status: criteria provided, single submitter. Criteria: Ambry Variant Classification Scheme 2023. Collection method: clinical testing. Allele origin: germline.

Labcorp Genetics (formerly Invitae), Labcorp
Classification: Uncertain significance. Last evaluated: 2022-07-15. Review status: criteria provided, single submitter. Criteria: Invitae Variant Classification Sherloc (09022015). Collection method: clinical testing. Allele origin: germline.
Comment: This sequence change replaces arginine, which is basic and polar, with glutamine, which is neutral and polar, at codon 670 of the ADAMTSL4 protein (p.Arg670Gln). This variant is present in population databases (rs763764814, gnomAD 0.009%). This variant has not been reported in the literature in individuals affected with ADAMTSL4-related conditions. Algorithms developed to predict the effect of missense changes on protein structure and function output the following: SIFT: "Tolerated"; PolyPhen-2: "Benign"; Align-GVGD: "Class C0". The glutamine amino acid residue is found in multiple mammalian species, which suggests that this missense change does not adversely affect protein function. In summary, the available evidence is currently insufficient to determine the role of this variant in disease. Therefore, it has been classified as a Variant of Uncertain Significance.

Dr. Peter K. Rogan Lab, Western University
No classification provided (evidence only). Condition: Nonpapillary renal cell carcinoma. Review status: no classification provided. Collection method: in vitro. Allele origin: not applicable. Functional consequence: retained intron. Not counted in ClinVar's aggregate classification.